The following is an entry in ClinVar:

NM_001258307.2(CCDC74B):c.688C>T (p.Leu230Phe)

Gene: CCDC74B (coiled-coil domain containing 74B; minus strand). Cytogenetic location: 2q21.1.
Variant type: single nucleotide variant.
Coding change: c.688C>T on transcript NM_001258307.2 (MANE Select); coding-DNA position 688, C replaced by T.
Protein change: p.Leu230Phe; replaces leucine 230 with phenylalanine.
Molecular consequence: missense variant. On other transcripts: non-coding transcript variant (1).
Genome position (GRCh38, 1-based): chr2:130,140,087, G>A on the plus strand (C>T on the coding strand, the complement: CCDC74B is on the minus strand). VCF-style: chr2-130140087-G-A. GRCh37 (hg19) VCF-style: chr2-130897660-G-A.
Other names: c.886C>T, p.Leu296Phe (NM_207310.4); short protein forms L230F, L296F.
Identifiers: ClinVar variation 2651352 (VCV002651352.24), dbSNP rs139725529, ClinGen allele CA1868882.
Genomic context (GRCh38, chr2:130,140,087, plus strand): 5'-GAAAGCTAGCTTCCTCCGGGACTGCCTGGGGCCTCTGGCTCCCTTCCAGGAGGGACTTGA[G>A]GTGCTGCAGCTGAAAGGCAGGGGCAGGGGCGTGGTGGGGCCTGTGGCGGTGCCAGACTGC-3'
Protein context (NP_001245236.1, residues 220-240): NLLQTQELQH[Leu230Phe]KSLLEGSQRP

ClinVar aggregate classification (germline): Likely benign (1 of 4 stars; one submission).

Allele frequency attached by ClinVar (database versions not stated): 1000 Genomes Project 0.00100; 1000 Genomes Project 30x 0.00109; TOPMed 0.00391; gnomAD 0.00411; ExAC 0.00469; ESP Exome Variant Server 0.00477.

Submission:

CeGaT Center for Human Genetics Tuebingen
Classification: Likely benign. Last evaluated: 2023-03-01. Review status: criteria provided, single submitter. Criteria: CeGaT Center For Human Genetics Tuebingen Variant Classification Criteria Version 2. Collection method: clinical testing. Allele origin: germline. Affected: yes. Observed: 1 variant allele.
Comment: CCDC74B: BS2